The following is an entry in ClinVar:

ClinVar aggregate classification (germline): Benign/Likely benign. Review status: criteria provided, multiple submitters, no conflicts (2 of 4 stars). 4 submissions from 4 submitters: Benign (2); Likely benign (2). Last evaluated 2026-01-24.

Allele frequency attached by ClinVar (database versions not stated): ESP Exome Variant Server 0.00054; 1000 Genomes Project 0.00180; 1000 Genomes Project 30x 0.00203.
gnomAD v4.1: 632 of 1,612,574 alleles (0.039%); highest among the groups gnomAD compares: Middle Eastern, 0.31%; 4 homozygotes.

Submissions (4):

Labcorp Genetics (formerly Invitae), Labcorp
Classification: Benign. Last evaluated: 2026-01-24. Review status: criteria provided, single submitter. Criteria: Invitae Variant Classification Sherloc (09022015). Collection method: clinical testing. Allele origin: germline.

Blueprint Genetics
Classification: Likely benign. Last evaluated: 2024-11-13. Review status: criteria provided, single submitter. Criteria: ACMG Guidelines, 2015. Collection method: clinical testing. Allele origin: germline.

CeGaT Center for Human Genetics Tuebingen
Classification: Likely benign. Last evaluated: 2024-06-01. Review status: criteria provided, single submitter. Criteria: CeGaT Center For Human Genetics Tuebingen Variant Classification Criteria Version 2. Collection method: clinical testing. Allele origin: germline. Affected: yes. Observed: 3 variant alleles.
Comment: PACS2: BP4, BP7, BS1

Breakthrough Genomics
Classification: Benign. Review status: criteria provided, single submitter. Criteria: ACMG Guidelines, 2015. Collection method: not provided. Allele origin: germline. Inheritance: Autosomal dominant inheritance. Affected: yes.

NM_001100913.3(PACS2):c.2313G>A (p.Gln771=)

Gene: PACS2 (phosphofurin acidic cluster sorting protein 2; plus strand). Cytogenetic location: 14q32.33.
Variant type: single nucleotide variant.
Coding change: c.2313G>A on transcript NM_001100913.3 (MANE Select); coding-DNA position 2313, G replaced by A.
Protein change: p.Gln771=; no amino-acid change (glutamine 771 retained).
Molecular consequence: synonymous variant.
Genome position (GRCh38, 1-based): chr14:105,392,676, G>A. VCF-style: chr14-105392676-G-A. GRCh37 (hg19) VCF-style: chr14-105859013-G-A.
Other names: c.2043G>A, p.Gln681= (NM_001243127.3); c.2268G>A, p.Gln756= (NM_015197.4).
Identifiers: ClinVar variation 1600909 (VCV001600909.33), dbSNP rs150343495, ClinGen allele CA7389241.
Genomic context (GRCh38, chr14:105,392,676, plus strand): 5'-CAGCCAGGGTGTCGGCGCCGAGCTGATGGGGCTGCAGGTGGACTACTGGACGGCAGCACA[G>A]CCTGCGGACAGGAAGAGGGACGCCGAGAAGAAGGACCTGCCTGTCACCAAAAACACGCTC-3'
Protein context (NP_001094383.2, residues 761-781): GLQVDYWTAA[Gln771=]PADRKRDAEK